The following is an entry in ClinVar:

NM_001130965.3(SUN1):c.1715T>C (p.Leu572Pro)

Gene: SUN1 (Sad1 and UNC84 domain containing 1; plus strand). Cytogenetic location: 7p22.3.
Variant type: single nucleotide variant.
Coding change: c.1715T>C on transcript NM_001130965.3 (MANE Select); coding-DNA position 1715, T replaced by C.
Protein change: p.Leu572Pro; replaces leucine 572 with proline.
Molecular consequence: missense variant. On other transcripts: non-coding transcript variant (3).
Genome position (GRCh38, 1-based): chr7:860,318, T>C. VCF-style: chr7-860318-T-C. GRCh37 (hg19) VCF-style: chr7-899955-T-C.
Other names: c.1364T>C, p.Leu455Pro (NM_001367635.1); c.1955T>C, p.Leu652Pro (NM_001367636.1, NM_001367691.1); c.1823T>C, p.Leu608Pro (NM_001367638.1); c.1256T>C, p.Leu419Pro (NM_001367639.1); c.1895T>C, p.Leu632Pro (NM_001367640.1); c.1997T>C, p.Leu666Pro (NM_001367641.1, NM_001367682.1); c.1700T>C, p.Leu567Pro (NM_001367642.1); c.1406T>C, p.Leu469Pro (NM_001171944.2); and 43 more; short protein forms L383P, L419P, L469P, L489P, L521P, L522P, L526P, L550P.
Identifiers: ClinVar variation 2168451 (VCV002168451.4), dbSNP rs1378401176, ClinGen allele CA366533800.

ClinVar aggregate classification (germline): Uncertain significance (1 of 4 stars; one submission).

Conditions:
Emery-Dreifuss muscular dystrophy (EDMD). Also called: Scapuloperoneal syndrome, X-linked (formerly); Humeroperoneal neuromuscular disease, (formerly). Identifiers: Orphanet 261, MedGen C0410189, MONDO:0016830.

Submission:

Labcorp Genetics (formerly Invitae), Labcorp
Classification: Uncertain significance for Emery-Dreifuss muscular dystrophy. Last evaluated: 2024-05-20. Review status: criteria provided, single submitter. Criteria: Invitae Variant Classification Sherloc (09022015). Collection method: clinical testing. Allele origin: germline.
Comment: This sequence change replaces leucine, which is neutral and non-polar, with proline, which is neutral and non-polar, at codon 572 of the SUN1 protein (p.Leu572Pro). This variant is not present in population databases (gnomAD no frequency). This variant has not been reported in the literature in individuals affected with SUN1-related conditions. ClinVar contains an entry for this variant (Variation ID: 2168451). An algorithm developed to predict the effect of missense changes on protein structure and function (PolyPhen-2) suggests that this variant is likely to be tolerated. In summary, the available evidence is currently insufficient to determine the role of this variant in disease. Therefore, it has been classified as a Variant of Uncertain Significance.